The following is an entry in ClinVar:

NM_012186.3(FOXE3):c.694C>G (p.Leu232Val)

Genes: FOXE3 (forkhead box E3; plus strand), LINC01389 (long independently transcribed non-coding RNA 1389; minus strand). Cytogenetic location: 1p33.
Variant type: single nucleotide variant.
Coding change: c.694C>G on transcript NM_012186.3 (MANE Select); coding-DNA position 694, C replaced by G.
Protein change: p.Leu232Val; replaces leucine 232 with valine.
Molecular consequence: missense variant.
Genome position (GRCh38, 1-based): chr1:47,417,009, C>G. VCF-style: chr1-47417009-C-G. GRCh37 (hg19) VCF-style: chr1-47882681-C-G.
Other names: c.694C>G (NM_012186.2); short protein forms L232V.
Identifiers: ClinVar variation 2200187 (VCV002200187.5), dbSNP rs2521321541, ClinGen allele CA340250515.

ClinVar aggregate classification (germline): Uncertain significance. Review status: criteria provided, multiple submitters, no conflicts (2 of 4 stars). 2 submissions from 2 submitters: Uncertain significance (2). Last evaluated 2025-02-15.

Conditions:
Anterior segment dysgenesis. Also called: Ocular anterior segment dysgenesis. Identifiers: Orphanet 88632, MedGen C1862839, MONDO:0019503, HP:0007700.
Congenital primary aphakia. Also called: Anterior segment dysgenesis 2, multiple subtypes; ANTERIOR SEGMENT DYSGENESIS 2. Identifiers: Orphanet 83461, MedGen C1853230, MONDO:0012456, OMIM 610256.
Cardiovascular phenotype. Identifiers: MedGen CN230736.

Allele frequency attached by ClinVar (database versions not stated): gnomAD exomes below 0.00001.

Submissions (2):

Ambry Genetics
Classification: Uncertain significance for Cardiovascular phenotype. Last evaluated: 2025-02-15. Review status: criteria provided, single submitter. Criteria: Ambry Variant Classification Scheme 2023. Collection method: clinical testing. Allele origin: germline.

Labcorp Genetics (formerly Invitae), Labcorp
Classification: Uncertain significance for Anterior segment dysgenesis; Congenital primary aphakia. Last evaluated: 2023-06-17. Review status: criteria provided, single submitter. Criteria: Invitae Variant Classification Sherloc (09022015). Collection method: clinical testing. Allele origin: germline.
Comment: This sequence change replaces leucine, which is neutral and non-polar, with valine, which is neutral and non-polar, at codon 232 of the FOXE3 protein (p.Leu232Val). In summary, the available evidence is currently insufficient to determine the role of this variant in disease. Therefore, it has been classified as a Variant of Uncertain Significance. Advanced modeling of protein sequence and biophysical properties (such as structural, functional, and spatial information, amino acid conservation, physicochemical variation, residue mobility, and thermodynamic stability) performed at Invitae indicates that this missense variant is not expected to disrupt FOXE3 protein function. ClinVar contains an entry for this variant (Variation ID: 2200187). This variant has not been reported in the literature in individuals affected with FOXE3-related conditions. This variant is not present in population databases (gnomAD no frequency).